The following is an entry in ClinVar:

NM_015937.6(PIGT):c.5_9del (p.Ala2fs)

Gene: PIGT (phosphatidylinositol glycan anchor biosynthesis class T; plus strand). Cytogenetic location: 20q13.12.
Variant type: Deletion.
Coding change: c.5_9del on transcript NM_015937.6 (MANE Select); coding-DNA positions 5 to 9, 5 bases deleted (CGGCG; older notation c.5_9delCGGCG).
Protein change: p.Ala2fs; shifts the reading frame from alanine 2.
Molecular consequence: frameshift variant. On other transcripts: non-coding transcript variant (5).
Genome position (GRCh38, 1-based): chr20:45,416,161-45,416,165, CGGCG deleted; deleting any 5 consecutive bases within chr20:45,416,160-45,416,165 gives the same sequence; the c. name uses the placement nearest the transcript's 3' end. VCF-style (leftmost placement, unchanged base first): chr20-45416159-GGCGGC-G. GRCh37 (hg19) VCF-style: chr20-44044799-GGCGGC-G.
Other names: c.5_9del, p.Ala2fs (NM_001184728.3, NM_001184729.3, NM_001184730.3); short protein forms A2fs.
Identifiers: ClinVar variation 5006378 (VCV005006378.2).
Genomic context (GRCh38, chr20:45,416,159, plus strand): 5'-TGGATACCGGCTTTTCATGGGGCCGAGCGCCGCTGGGTAGGCGGAAGTAGCCGCAGGCAT[GGCGGC>G]GGCTATGCCGCTTGCTCTGCTCGTCCTGTTGCTCCTGGGGCCCGGCGGCTGGTGCCTTGC-3'

ClinVar aggregate classification (germline): Likely pathogenic (1 of 4 stars; one submission).

Conditions:
Multiple congenital anomalies-hypotonia-seizures syndrome 3 (MCAHS3). Also called: GLYCOSYLPHOSPHATIDYLINOSITOL BIOSYNTHESIS DEFECT 7. Identifiers: Orphanet 369837, MedGen C3809356, MONDO:0014165, OMIM 615398.

Submission:

Juno Genomics, Hangzhou Juno Genomics, Inc
Classification: Likely pathogenic for Multiple congenital anomalies-hypotonia-seizures syndrome 3. Review status: criteria provided, single submitter. Criteria: ACMG Guidelines, 2015. Collection method: clinical testing. Allele origin: germline.
Comment: Null variant in a gene where loss of function (LOF) is a known mechanism of disease.;Absent from controls (or at extremely low frequency if recessive) in Genome Aggregation Database.